The following is an entry in ClinVar:

ClinVar aggregate classification (germline): Uncertain significance (1 of 4 stars; one submission).

Submission:

Dasa
Classification: Uncertain significance. Last evaluated: 2026-07-30. Review status: criteria provided, single submitter. Criteria: DASA Assertion Criteria. Collection method: clinical testing. Allele origin: germline.
Comment: NM_006009.4(TUBA1A):c.983T>A (p.Val328Asp) is a missense variant that results in the substitution of valine with aspartic acid. The affected residue or protein region has prior evidence supporting clinical relevance. This variant is rare in population databases. Computational prediction algorithms are consistent with a deleterious effect. The currently available literature and clinical evidence are not sufficient to establish a definitive association between this variant and the reported condition. Therefore, this variant is classified as a variant of uncertain significance.

NM_006009.4(TUBA1A):c.983T>A (p.Val328Asp)

Gene: TUBA1A (tubulin alpha 1a; minus strand). Cytogenetic location: 12q13.12.
Variant type: single nucleotide variant.
Coding change: c.983T>A on transcript NM_006009.4 (MANE Select); coding-DNA position 983, T replaced by A.
Protein change: p.Val328Asp; replaces valine 328 with aspartic acid.
Molecular consequence: missense variant.
Genome position (GRCh38, 1-based): chr12:49,185,383, A>T on the plus strand (T>A on the coding strand, the complement: TUBA1A is on the minus strand). VCF-style: chr12-49185383-A-T. GRCh37 (hg19) VCF-style: chr12-49579166-A-T.
Other names: c.983T>A, p.Val328Asp (NM_001270399.2); c.878T>A, p.Val293Asp (NM_001270400.2); short protein forms V293D, V328D.
Identifiers: ClinVar variation 5020953 (VCV005020953.1).
Genomic context (GRCh38, chr12:49,185,383, plus strand): 5'-GGGCACCAATCCACAAACTGGATGGTACGCTTGGTCTTGATGGTGGCAATGGCAGCATTG[A>T]CATCTTTGGGAACCACGTCACCACGGTACAACAGGCAGCAAGCCATGTATTTACCATGGC-3'
Protein context (NP_006000.2, residues 318-338): LYRGDVVPKD[Val328Asp]NAAIATIKTK